The following is an entry in ClinVar:

ClinVar aggregate classification (germline): Pathogenic. Review status: criteria provided, multiple submitters, no conflicts (2 of 4 stars). 2 submissions from 2 submitters: Pathogenic (2). Last evaluated 2025-01-24.

Conditions:
Familial cancer of breast. Also called: BREAST CANCER, FAMILIAL; Hereditary breast cancer; hereditary breast carcinoma. Identifiers: Orphanet 227535, MedGen C0346153, MONDO:0016419, OMIM 114480. Disease mechanism: loss of function.
Ataxia-telangiectasia syndrome (AT). Also called: Ataxia-telangiectasia; LOUIS-BAR SYNDROME; Ataxia-telangiectasia, complementation group D; AT, COMPLEMENTATION GROUP C; ATAXIA-TELANGIECTASIA, COMPLEMENTATION GROUP A; ATAXIA-TELANGIECTASIA, FRESNO VARIANT. Identifiers: Orphanet 100, MedGen C0004135, MONDO:0008840, OMIM 208900.

Submissions (2):

Myriad Genetics, Inc.
Classification: Pathogenic for Familial cancer of breast. Last evaluated: 2025-01-24. Review status: criteria provided, single submitter. Criteria: Myriad Autosomal Dominant, Autosomal Recessive and X-Linked Classification Criteria (2023). Collection method: clinical testing. Allele origin: unknown.
Comment: This variant is considered pathogenic. This variant creates a frameshift predicted to result in premature protein truncation.

Labcorp Genetics (formerly Invitae), Labcorp
Classification: Pathogenic for Ataxia-telangiectasia syndrome. Last evaluated: 2024-03-28. Review status: criteria provided, single submitter. Criteria: Invitae Variant Classification Sherloc (09022015). Collection method: clinical testing. Allele origin: germline.
Comment: This sequence change creates a premature translational stop signal (p.Ala2308Profs*2) in the ATM gene. It is expected to result in an absent or disrupted protein product. Loss-of-function variants in ATM are known to be pathogenic (PMID: 23807571, 25614872). This variant is not present in population databases (gnomAD no frequency). This variant has not been reported in the literature in individuals affected with ATM-related conditions. ClinVar contains an entry for this variant (Variation ID: 1361996). For these reasons, this variant has been classified as Pathogenic.

Literature cited by the submitters: PubMed 23807571 (cited by Labcorp Genetics (formerly Invitae), Labcorp); PubMed 25614872 (cited by Labcorp Genetics (formerly Invitae), Labcorp).

NM_000051.4(ATM):c.6922del (p.Ala2308fs)

Genes: ATM (ATM serine/threonine kinase; plus strand), C11orf65 (chromosome 11 open reading frame 65; minus strand). Cytogenetic location: 11q22.3.
Variant type: Deletion.
Coding change: c.6922del on transcript NM_000051.4 (MANE Select); coding-DNA position 6922, one base deleted (G; older notation c.6922delG).
Protein change: p.Ala2308fs; shifts the reading frame from alanine 2308.
Molecular consequence: frameshift variant. On other transcripts: intron variant (2).
Genome position (GRCh38, 1-based): chr11:108,326,172, G deleted. VCF-style (leftmost placement, unchanged base first): chr11-108326171-TG-T. GRCh37 (hg19) VCF-style: chr11-108196898-TG-T.
Other names: c.6922del, p.Ala2308fs (NM_001351834.2); c.641-17101del (NM_001330368.2); c.*38+9048del (NM_001351110.2); short protein forms A2308fs.
Identifiers: ClinVar variation 1361996 (VCV001361996.7), dbSNP rs2136337304, ClinGen allele CA2573146568.